The following is an entry in ClinVar:

NM_139076.3(ABRAXAS1):c.826_828del (p.Glu276del)

Gene: ABRAXAS1 (abraxas 1, BRCA1 A complex subunit; minus strand). Cytogenetic location: 4q21.23.
Variant type: Deletion.
Coding change: c.826_828del on transcript NM_139076.3 (MANE Select); coding-DNA positions 826 to 828, 3 bases deleted (GAG; older notation c.826_828delGAG).
Protein change: p.Glu276del; deletes glutamic acid 276.
Molecular consequence: inframe deletion.
Genome position (GRCh38, 1-based): chr4:83,462,871-83,462,873, CTC deleted on the plus strand (GAG on the coding strand, the reverse complement: ABRAXAS1 is on the minus strand); deleting any 3 consecutive bases within chr4:83,462,871-83,462,875 gives the same sequence; the c. name uses the placement nearest the transcript's 3' end. VCF-style (leftmost placement, unchanged base first): chr4-83462870-TCTC-T. GRCh37 (hg19) VCF-style: chr4-84384023-TCTC-T.
Other names: c.499_501del, p.Glu167del (NM_001345962.2); c.826_828del (NM_139076.2); c.826_828delGAG (NM_139076.3); short protein forms E276del, E167del.
Identifiers: ClinVar variation 241860 (VCV000241860.15), dbSNP rs748475674, ClinGen allele CA2990426.

ClinVar aggregate classification (germline): Conflicting classifications of pathogenicity. Review status: criteria provided, conflicting classifications (1 of 4 stars). 2 submissions from 2 submitters: Uncertain significance (1); Likely benign (1). Last evaluated 2026-03-30.

Submissions (2):

Women's Health and Genetics/Laboratory Corporation of America, LabCorp
Classification: Likely benign. Last evaluated: 2026-03-30. Review status: criteria provided, single submitter. Criteria: LabCorp Variant Classification Summary - May 2015. Collection method: clinical testing. Allele origin: germline.
Comment: Variant summary: FAM175A c.826_828delGAG (p.Glu276del) results in an in-frame deletion that is predicted to remove one amino acid from the encoded protein. The variant allele was found at a frequency of 0.00068 in 1599600 control chromosomes, predominantly at a frequency of 0.0009 within the Non-Finnish European subpopulation in the gnomAD database, including 1 homozygote. The observed variant frequency within Non-Finnish European control individuals in the gnomAD database is approximately 29-fold of the estimated maximal expected allele frequency for a pathogenic variant in FAM175A causing Hereditary Breast And Ovarian Cancer Syndrome phenotype (3.1e-05). c.826_828delGAG has been reported in the literature in an individual affected with breast cancer as well as in the control cohort (Renault_2016). This report however, does not provide unequivocal conclusions about association of the variant with Hereditary Breast and Ovarian Cancer Syndrome. To our knowledge, no experimental evidence demonstrating an impact on protein function has been reported. The following publication has been ascertained in the context of this evaluation (PMID: 27270457). ClinVar contains an entry for this variant (Variation ID: 241860). Based on the evidence outlined above, the variant was classified as likely benign.

Labcorp Genetics (formerly Invitae), Labcorp
Classification: Uncertain significance. Last evaluated: 2025-08-11. Review status: criteria provided, single submitter. Criteria: Invitae Variant Classification Sherloc (09022015). Collection method: clinical testing. Allele origin: germline.
Comment: This variant, c.826_828del, results in the deletion of 1 amino acid(s) of the ABRAXAS1 protein (p.Glu276del), but otherwise preserves the integrity of the reading frame. This variant is present in population databases (rs748475674, gnomAD 0.04%), and has an allele count higher than expected for a pathogenic variant. This variant has been observed in individual(s) with breast cancer (PMID: 27270457). ClinVar contains an entry for this variant (Variation ID: 241860). Experimental studies and prediction algorithms are not available or were not evaluated, and the functional significance of this variant is currently unknown. Algorithms developed to predict the effect of sequence changes on RNA splicing suggest that this variant may disrupt the consensus splice site. In summary, the available evidence is currently insufficient to determine the role of this variant in disease. Therefore, it has been classified as a Variant of Uncertain Significance.

Literature cited by the submitters: PubMed 27270457 (cited by Women's Health and Genetics/Laboratory Corporation of America, LabCorp and Labcorp Genetics (formerly Invitae), Labcorp).